The following is an entry in ClinVar:

ClinVar aggregate classification (germline): Conflicting classifications of pathogenicity. Review status: criteria provided, conflicting classifications (1 of 4 stars). 3 submissions from 3 submitters: Uncertain significance (2); Likely benign (1). Last evaluated 2024-11-05.

Conditions:
ZEB2-related disorder. Also called: ZEB2-related condition.
Mowat-Wilson syndrome (MOWS). Also called: Classic Mowat-Wilson Syndrome. Identifiers: Orphanet 2152, MedGen C1856113, MONDO:0009341, OMIM 235730.

Allele frequency attached by ClinVar (database versions not stated): gnomAD 0.00001 and 0.00002; TOPMed 0.00001; ExAC 0.00002; gnomAD exomes 0.00002 and 0.00003; ESP Exome Variant Server 0.00008; 1000 Genomes Project 30x 0.00016; 1000 Genomes Project 0.00020.
gnomAD v4.1: 46 of 1,614,200 alleles (0.0028%); highest among the groups gnomAD compares: Non-Finnish European, 0.0038%; no homozygotes.

Submissions (3):

PreventionGenetics, part of Exact Sciences
Classification: Uncertain significance for ZEB2-related condition. Last evaluated: 2024-11-05. Review status: criteria provided, single submitter. Criteria: ACMG Guidelines, 2015. Collection method: clinical testing. Allele origin: germline.
Comment: The ZEB2 c.1264G>A variant is predicted to result in the amino acid substitution p.Ala422Thr. To our knowledge, this variant has not been reported in the literature. This variant is reported in 0.0035% of alleles in individuals of European (Non-Finnish) descent in gnomAD. At this time, the clinical significance of this variant is uncertain due to the absence of conclusive functional and genetic evidence.

Labcorp Genetics (formerly Invitae), Labcorp
Classification: Uncertain significance for Mowat-Wilson syndrome. Last evaluated: 2024-05-31. Review status: criteria provided, single submitter. Criteria: Invitae Variant Classification Sherloc (09022015). Collection method: clinical testing. Allele origin: germline.
Comment: This sequence change replaces alanine, which is neutral and non-polar, with threonine, which is neutral and polar, at codon 422 of the ZEB2 protein (p.Ala422Thr). This variant is present in population databases (rs141793065, gnomAD 0.004%). This variant has not been reported in the literature in individuals affected with ZEB2-related conditions. ClinVar contains an entry for this variant (Variation ID: 513045). Advanced modeling of protein sequence and biophysical properties (such as structural, functional, and spatial information, amino acid conservation, physicochemical variation, residue mobility, and thermodynamic stability) performed at Invitae indicates that this missense variant is not expected to disrupt ZEB2 protein function with a negative predictive value of 80%. In summary, the available evidence is currently insufficient to determine the role of this variant in disease. Therefore, it has been classified as a Variant of Uncertain Significance.

GeneDx
Classification: Likely benign. Last evaluated: 2017-10-31. Review status: criteria provided, single submitter. Criteria: GeneDx Variant Classification (06012015). Collection method: clinical testing. Allele origin: germline. Affected: yes.
Comment: This variant is considered likely benign or benign based on one or more of the following criteria: it is a conservative change, it occurs at a poorly conserved position in the protein, it is predicted to be benign by multiple in silico algorithms, and/or has population frequency not consistent with disease.

NM_014795.4(ZEB2):c.1264G>A (p.Ala422Thr)

Gene: ZEB2 (zinc finger E-box binding homeobox 2; minus strand). Cytogenetic location: 2q22.3.
Variant type: single nucleotide variant.
Coding change: c.1264G>A on transcript NM_014795.4 (MANE Select); coding-DNA position 1264, G replaced by A.
Protein change: p.Ala422Thr; replaces alanine 422 with threonine.
Molecular consequence: missense variant.
Genome position (GRCh38, 1-based): chr2:144,399,923, C>T on the plus strand (G>A on the coding strand, the complement: ZEB2 is on the minus strand). VCF-style: chr2-144399923-C-T. GRCh37 (hg19) VCF-style: chr2-145157490-C-T.
Other names: c.1192G>A, p.Ala398Thr (NM_001171653.2); short protein forms A422T, A398T.
Identifiers: ClinVar variation 513045 (VCV000513045.8), dbSNP rs141793065, ClinGen allele CA1898355.